The following is an entry in ClinVar:

ClinVar aggregate classification (germline): Uncertain significance. Review status: criteria provided, multiple submitters, no conflicts (2 of 4 stars). 2 submissions from 2 submitters: Uncertain significance (2). Last evaluated 2025-04-25.

Conditions:
Inborn genetic diseases. Identifiers: MedGen C0950123, MeSH D030342.
Jeune thoracic dystrophy. Also called: Jeune syndrome; Infantile thoracic dystrophy; Thoracic pelvic phalangeal dystrophy; Jeune's syndrome; Chondroectodermal dysplasia-like syndrome; Short-rib thoracic dysplasia. Identifiers: Orphanet 474, MedGen C0265275, MONDO:0018770.

Allele frequency attached by ClinVar (database versions not stated): gnomAD exomes below 0.00001; TOPMed 0.00001.
gnomAD v4.1: 8 of 1,610,936 alleles (0.0005%); highest among the groups gnomAD compares: African/African-American, 0.004%; no homozygotes.

Submissions (2):

Ambry Genetics
Classification: Uncertain significance for Inborn genetic diseases. Last evaluated: 2025-04-25. Review status: criteria provided, single submitter. Criteria: Ambry Variant Classification Scheme 2023. Collection method: clinical testing. Allele origin: germline.

Labcorp Genetics (formerly Invitae), Labcorp
Classification: Uncertain significance for Jeune thoracic dystrophy. Last evaluated: 2022-04-08. Review status: criteria provided, single submitter. Criteria: Invitae Variant Classification Sherloc (09022015). Collection method: clinical testing. Allele origin: germline.
Comment: This sequence change replaces methionine, which is neutral and non-polar, with valine, which is neutral and non-polar, at codon 2406 of the DYNC2H1 protein (p.Met2406Val). This variant is present in population databases (no rsID available, gnomAD 0.008%). This variant has not been reported in the literature in individuals affected with DYNC2H1-related conditions. Advanced modeling of protein sequence and biophysical properties (such as structural, functional, and spatial information, amino acid conservation, physicochemical variation, residue mobility, and thermodynamic stability) performed at Invitae indicates that this missense variant is not expected to disrupt DYNC2H1 protein function. In summary, the available evidence is currently insufficient to determine the role of this variant in disease. Therefore, it has been classified as a Variant of Uncertain Significance.

NM_001377.3(DYNC2H1):c.7216A>G (p.Met2406Val)

Gene: DYNC2H1 (dynein cytoplasmic 2 heavy chain 1; plus strand). Cytogenetic location: 11q22.3.
Variant type: single nucleotide variant.
Coding change: c.7216A>G on transcript NM_001377.3 (MANE Select); coding-DNA position 7216, A replaced by G.
Protein change: p.Met2406Val; replaces methionine 2406 with valine.
Molecular consequence: missense variant.
Genome position (GRCh38, 1-based): chr11:103,188,572, A>G. VCF-style: chr11-103188572-A-G. GRCh37 (hg19) VCF-style: chr11-103059301-A-G.
Other names: c.7216A>G, p.Met2406Val (NM_001080463.2); c.7216A>G (NM_001080463.1); short protein forms M2406V.
Identifiers: ClinVar variation 1984550 (VCV001984550.2), dbSNP rs549756868, ClinGen allele CA382252713.